The following is an entry in ClinVar:

ClinVar aggregate classification (germline): Uncertain significance (1 of 4 stars; one submission).

Conditions:
Fanconi anemia complementation group B (FANCB). Also called: FANCB-Related Fanconi Anemia; FANCONI PANCYTOPENIA, TYPE 2. Identifiers: Orphanet 84, MedGen C1845292, MONDO:0010351, OMIM 300514.

Submission:

GeNE CliniK, Regional Hospital Limbe
Classification: Uncertain significance for Fanconi anemia complementation group B. Last evaluated: 2025-06-01. Review status: criteria provided, single submitter. Criteria: ACMG Guidelines, 2015. Collection method: research. Allele origin: maternal. Inheritance: X-linked inheritance. Affected: no.
Comment: The NM_001018113.3:c.1870C>A (p.Leu624Ile) variant in FANCB is a missense change predicted to substitute leucine with isoleucine at codon 624. This variant is not reported in gnomAD, suggesting it is absent or extremely rare in population databases (PM2). In silico tools provide conflicting or uncertain predictions regarding its effect on protein function (BP4). Based on current ACMG/AMP guidelines, this variant is classified as a Variant of Uncertain Significance (VUS) due to limited evidence regarding pathogenicity.

NM_001018113.3(FANCB):c.1870C>A (p.Leu624Ile)

Gene: FANCB (FA complementation group B; minus strand). Cytogenetic location: Xp22.2.
Variant type: single nucleotide variant.
Coding change: c.1870C>A on transcript NM_001018113.3 (MANE Select); coding-DNA position 1870, C replaced by A.
Protein change: p.Leu624Ile; replaces leucine 624 with isoleucine.
Molecular consequence: missense variant.
Genome position (GRCh38, 1-based): chrX:14,844,913, G>T on the plus strand (C>A on the coding strand, the complement: FANCB is on the minus strand). VCF-style: chrX-14844913-G-T. GRCh37 (hg19) VCF-style: chrX-14863035-G-T.
Other names: c.1870C>A, p.Leu624Ile (NM_001324162.2, NM_001410764.1, NM_152633.4); short protein forms L624I.
Identifiers: ClinVar variation 4075763 (VCV004075763.1).